The following is an entry in ClinVar:

NM_000214.3(JAG1):c.350del (p.Arg117fs)

Gene: JAG1 (jagged canonical Notch ligand 1; minus strand). Cytogenetic location: 20p12.2.
Variant type: Deletion.
Coding change: c.350del on transcript NM_000214.3 (MANE Select); coding-DNA position 350, one base deleted (G; older notation c.350delG).
Protein change: p.Arg117fs; shifts the reading frame from arginine 117.
Molecular consequence: frameshift variant.
Genome position (GRCh38, 1-based): chr20:10,672,738, C deleted on the plus strand (G on the coding strand, the reverse complement: JAG1 is on the minus strand). VCF-style (leftmost placement, unchanged base first): chr20-10672737-GC-G. GRCh37 (hg19) VCF-style: chr20-10653385-GC-G.
Other names: c.350del, p.Arg117fs (LRG_1191t1); short protein forms R117fs.
Identifiers: ClinVar variation 536525 (VCV000536525.1), dbSNP rs1555830929, ClinGen allele CA658799343.
Genomic context (GRCh38, chr20:10,672,737, plus strand): 5'-CCTCCTTCCCGAGTAGTCACTCACCGGCCAGGCGAAACTGAAAGGCAGCACGATGCGGTT[GC>G]GGTCGTTGCCGCGGCTGGCCTTGAGGTTGAAGGTGTTGCCCCCGATGACAGGCGTGGACC-3'

ClinVar aggregate classification (germline): Pathogenic (1 of 4 stars; one submission).

Conditions:
Alagille syndrome due to a JAG1 point mutation. Also called: JAG1-Related Alagille Syndrome; Alagille Syndrome 1; HEPATIC DUCTULAR HYPOPLASIA, SYNDROMATIC. Identifiers: Orphanet 261619, Orphanet 52, MedGen C1956125, MONDO:0016862, OMIM 118450.

Submission:

Labcorp Genetics (formerly Invitae), Labcorp
Classification: Pathogenic for Alagille syndrome due to a JAG1 point mutation. Last evaluated: 2017-11-13. Review status: criteria provided, single submitter. Criteria: Invitae Variant Classification Sherloc (09022015). Collection method: clinical testing. Allele origin: germline.
Comment: This sequence change creates a premature translational stop signal (p.Arg117Profs*44) in the JAG1 gene. It is expected to result in an absent or disrupted protein product. This variant is not present in population databases (ExAC no frequency). This variant has not been reported in the literature in individuals with JAG1-related disease. Loss-of-function variants in JAG1 are known to be pathogenic (PMID: 11180599). For these reasons, this variant has been classified as Pathogenic.